The following is an entry in ClinVar:

NM_001321120.2(TBX4):c.844C>T (p.Pro282Ser)

Gene: TBX4 (T-box transcription factor 4; plus strand). Cytogenetic location: 17q23.2.
Variant type: single nucleotide variant.
Coding change: c.844C>T on transcript NM_001321120.2 (MANE Select); coding-DNA position 844, C replaced by T.
Protein change: p.Pro282Ser; replaces proline 282 with serine.
Molecular consequence: missense variant.
Genome position (GRCh38, 1-based): chr17:61,480,142, C>T. VCF-style: chr17-61480142-C-T. GRCh37 (hg19) VCF-style: chr17-59557503-C-T.
Other names: c.844C>T, p.Pro282Ser (NM_018488.3); short protein forms P282S.
Identifiers: ClinVar variation 725644 (VCV000725644.14), dbSNP rs73334576, ClinGen allele CA8689946.

ClinVar aggregate classification (germline): Likely benign. Review status: criteria provided, multiple submitters, no conflicts (2 of 4 stars). 4 submissions from 4 submitters: Likely benign (3). 1 of the submissions does not count toward it. Last evaluated 2025-08-15.

Conditions:
TBX4-related disorder. Also called: TBX4-related condition; TBX4-related disorders.

Allele frequency attached by ClinVar (database versions not stated): gnomAD exomes 0.00012 and 0.00032; ExAC 0.00031; gnomAD 0.00104 and 0.00109; TOPMed 0.00128; ESP Exome Variant Server 0.00169; 1000 Genomes Project 0.00180; 1000 Genomes Project 30x 0.00219.

Submissions (4):

Labcorp Genetics (formerly Invitae), Labcorp
Classification: Likely benign. Last evaluated: 2025-08-15. Review status: criteria provided, single submitter. Criteria: Invitae Variant Classification Sherloc (09022015). Collection method: clinical testing. Allele origin: germline.

Blueprint Genetics
Classification: Likely benign. Last evaluated: 2024-11-27. Review status: criteria provided, single submitter. Criteria: ACMG Guidelines, 2015. Collection method: clinical testing. Allele origin: germline.

Breakthrough Genomics
Classification: Likely benign. Review status: criteria provided, single submitter. Criteria: ACMG Guidelines, 2015. Collection method: not provided. Allele origin: germline. Inheritance: Autosomal recessive inheritance. Affected: yes.

PreventionGenetics, part of Exact Sciences
Classification: Benign for TBX4-related condition. Last evaluated: 2019-10-28. Review status: no assertion criteria provided. Collection method: clinical testing. Allele origin: germline. Not counted in ClinVar's aggregate classification.
Comment: This variant is classified as benign based on ACMG/AMP sequence variant interpretation guidelines (Richards et al. 2015 PMID: 25741868, with internal and published modifications).